The following is an entry in ClinVar:

ClinVar aggregate classification (germline): Uncertain significance. Review status: criteria provided, multiple submitters, no conflicts (2 of 4 stars). 3 submissions from 3 submitters: Uncertain significance (3). Last evaluated 2025-03-16.

Conditions:
Hereditary cancer-predisposing syndrome. Also called: Tumor predisposition; Hereditary neoplastic syndrome; Hereditary Cancer Syndrome; Neoplastic Syndromes, Hereditary. Identifiers: Orphanet 140162, MedGen C0027672, MeSH D009386, MONDO:0015356.
Gastrointestinal stromal tumor. Also called: Gastrointestinal stroma tumor; Gastrointestinal stromal tumor, somatic. Identifiers: Orphanet 44890, MedGen C0238198, MeSH D046152, MONDO:0011719, OMIM 606764, HP:0100723.

Submissions (3):

Labcorp Genetics (formerly Invitae), Labcorp
Classification: Uncertain significance for Gastrointestinal stromal tumor. Last evaluated: 2025-03-16. Review status: criteria provided, single submitter. Criteria: Invitae Variant Classification Sherloc (09022015). Collection method: clinical testing. Allele origin: germline.
Comment: This sequence change replaces proline, which is neutral and non-polar, with serine, which is neutral and polar, at codon 911 of the KIT protein (p.Pro911Ser). This variant is not present in population databases (gnomAD no frequency). This variant has not been reported in the literature in individuals affected with KIT-related conditions. ClinVar contains an entry for this variant (Variation ID: 528595). An algorithm developed to predict the effect of missense changes on protein structure and function (PolyPhen-2) suggests that this variant is likely to be disruptive. In summary, the available evidence is currently insufficient to determine the role of this variant in disease. Therefore, it has been classified as a Variant of Uncertain Significance.

Ambry Genetics
Classification: Uncertain significance for Hereditary cancer-predisposing syndrome. Last evaluated: 2023-10-22. Review status: criteria provided, single submitter. Criteria: Ambry Variant Classification Scheme 2023. Collection method: clinical testing. Allele origin: germline.
Comment: The p.P911S variant (also known as c.2731C>T), located in coding exon 20 of the KIT gene, results from a C to T substitution at nucleotide position 2731. The proline at codon 911 is replaced by serine, an amino acid with similar properties. This amino acid position is conserved. In addition, this alteration is predicted to be deleterious by in silico analysis. Since supporting evidence is limited at this time, the clinical significance of this alteration remains unclear.

Baylor Genetics
Classification: Uncertain significance for Gastrointestinal stromal tumor. Last evaluated: 2023-08-09. Review status: criteria provided, single submitter. Criteria: ACMG Guidelines, 2015. Collection method: clinical testing. Allele origin: unknown.

NM_000222.3(KIT):c.2731C>T (p.Pro911Ser)

Gene: KIT (KIT proto-oncogene, receptor tyrosine kinase; plus strand). Cytogenetic location: 4q12.
Variant type: single nucleotide variant.
Coding change: c.2731C>T on transcript NM_000222.3 (MANE Select); coding-DNA position 2731, C replaced by T.
Protein change: p.Pro911Ser; replaces proline 911 with serine.
Molecular consequence: missense variant.
Genome position (GRCh38, 1-based): chr4:54,737,209, C>T. VCF-style: chr4-54737209-C-T. GRCh37 (hg19) VCF-style: chr4-55603375-C-T.
Other names: c.2719C>T, p.Pro907Ser (NM_001093772.2, NM_001385292.1); c.2734C>T, p.Pro912Ser (NM_001385284.1); c.2728C>T, p.Pro910Ser (NM_001385285.1); c.2716C>T, p.Pro906Ser (NM_001385286.1); c.2722C>T, p.Pro908Ser (NM_001385288.1); c.2731C>T, p.Pro911Ser (NM_001385290.1); short protein forms P911S, P907S, P906S, P908S, P910S, P912S.
Identifiers: ClinVar variation 528595 (VCV000528595.9), dbSNP rs1553893575, ClinGen allele CA356914324.